The following is an entry in ClinVar:

NM_002890.3(RASA1):c.1352A>G (p.Asn451Ser)

Genes: CCNH (cyclin H; minus strand), RASA1 (RAS p21 protein activator 1; plus strand). Cytogenetic location: 5q14.3.
Variant type: single nucleotide variant.
Coding change: c.1352A>G on transcript NM_002890.3 (MANE Select); coding-DNA position 1352, A replaced by G.
Protein change: p.Asn451Ser; replaces asparagine 451 with serine.
Molecular consequence: missense variant. On other transcripts: intron variant (1).
Genome position (GRCh38, 1-based): chr5:87,362,570, A>G. VCF-style: chr5-87362570-A-G. GRCh37 (hg19) VCF-style: chr5-86658387-A-G.
Other names: c.821A>G, p.Asn274Ser (NM_022650.3); c.933+32474T>C (NM_001364075.2); short protein forms N274S, N451S.
Identifiers: ClinVar variation 654344 (VCV000654344.9), dbSNP rs529871259, ClinGen allele CA3335732.
Genomic context (GRCh38, chr5:87,362,570, plus strand): 5'-CAAGAATGTATGAAATAATTTTAATGTTTTTTAAAATTCAGGATCAAGAACAAGTACTCA[A>G]TGACACAGTGGATGGCAAGGAAATCTATAATACCATCCGTCGTAAAACAAAGGATGCCTT-3'
Protein context (NP_002881.1, residues 441-461): VPMQDQEQVL[Asn451Ser]DTVDGKEIYN

ClinVar aggregate classification (germline): Uncertain significance (1 of 4 stars; one submission).

Conditions:
Capillary malformation-arteriovenous malformation syndrome. Also called: Capillary malformation-arteriovenous malformation. Identifiers: Orphanet 137667, MedGen C1842180, MONDO:0012016.

Allele frequency attached by ClinVar (database versions not stated): ExAC 0.00002; gnomAD 0.00007 and 0.00004; gnomAD exomes 0.00002 and 0.00001; TOPMed 0.00003; 1000 Genomes Project 30x 0.00031; 1000 Genomes Project 0.00040.
gnomAD v4.1: 31 of 1,593,846 alleles (0.0019%); highest among the groups gnomAD compares: African/African-American, 0.013%; no homozygotes.

Submission:

Labcorp Genetics (formerly Invitae), Labcorp
Classification: Uncertain significance for Capillary malformation-arteriovenous malformation syndrome. Last evaluated: 2025-04-17. Review status: criteria provided, single submitter. Criteria: Invitae Variant Classification Sherloc (09022015). Collection method: clinical testing. Allele origin: germline.
Comment: This sequence change replaces asparagine, which is neutral and polar, with serine, which is neutral and polar, at codon 451 of the RASA1 protein (p.Asn451Ser). This variant is present in population databases (rs529871259, gnomAD 0.01%). This variant has not been reported in the literature in individuals affected with RASA1-related conditions. ClinVar contains an entry for this variant (Variation ID: 654344). An algorithm developed to predict the effect of missense changes on protein structure and function outputs the following: PolyPhen-2: "Benign". The serine amino acid residue is found in multiple mammalian species, which suggests that this missense change does not adversely affect protein function. In summary, the available evidence is currently insufficient to determine the role of this variant in disease. Therefore, it has been classified as a Variant of Uncertain Significance.